The following is an entry in ClinVar:

NM_000218.3(KCNQ1):c.1028C>T (p.Pro343Leu)

Gene: KCNQ1 (potassium voltage-gated channel subfamily Q member 1; plus strand). Cytogenetic location: 11p15.5.
Variant type: single nucleotide variant.
Coding change: c.1028C>T on transcript NM_000218.3 (MANE Select); coding-DNA position 1028, C replaced by T.
Protein change: p.Pro343Leu; replaces proline 343 with leucine.
Molecular consequence: missense variant.
Genome position (GRCh38, 1-based): chr11:2,583,541, C>T. VCF-style: chr11-2583541-C-T. GRCh37 (hg19) VCF-style: chr11-2604771-C-T.
Other names: c.1028C>T (LRG_287t1); c.1028C>T, p.Pro343Leu (NM_001406836.1); c.758C>T, p.Pro253Leu (NM_001406837.1); c.584C>T, p.Pro195Leu (NM_001406838.1); c.647C>T, p.Pro216Leu (NM_181798.2); short protein forms P343L, P216L, P253L, P195L.
Identifiers: ClinVar variation 52935 (VCV000052935.3), dbSNP rs199472761, ClinGen allele CA004942.

ClinVar aggregate classification (germline): not provided (0 of 4 stars; one submission).

Conditions:
Familial long QT syndrome (RWS). Also called: Congenital long QT syndrome; Romano-Ward syndrome; VENTRICULAR FIBRILLATION WITH PROLONGED QT INTERVAL. Identifiers: Orphanet 768, MedGen C1141890, MONDO:0019171.

Submission:

Cardiovascular Biomedical Research Unit, Royal Brompton & Harefield NHS Foundation Trust
No classification provided. Condition: Familial long QT syndrome. Review status: no classification provided. Collection method: literature only. Allele origin: germline.
Comment: This variant has been reported as associated with Long QT syndrome in the following publications (PMID:16414944;PMID:19716085;PMID:19841300). This is a literature report, and does not necessarily reflect the clinical interpretation of the Imperial College / Royal Brompton Cardiovascular Genetics laboratory.

Literature cited by the submitters: PubMed 16414944; PubMed 19716085; PubMed 19841300; PubMed 22581653.